The following is an entry in ClinVar:

ClinVar aggregate classification (germline): Uncertain significance (1 of 4 stars; one submission).

Conditions:
ALG9 congenital disorder of glycosylation (CDG1L). Also called: CDG Il; ALG9-CDG; CONGENITAL DISORDER OF GLYCOSYLATION, TYPE Il. Identifiers: Orphanet 79328, MedGen C2931006, MONDO:0012117, OMIM 608776.

Submission:

Labcorp Genetics (formerly Invitae), Labcorp
Classification: Uncertain significance for ALG9 congenital disorder of glycosylation. Last evaluated: 2022-08-22. Review status: criteria provided, single submitter. Criteria: Invitae Variant Classification Sherloc (09022015). Collection method: clinical testing. Allele origin: germline.
Comment: In summary, the available evidence is currently insufficient to determine the role of this variant in disease. Therefore, it has been classified as a Variant of Uncertain Significance. Algorithms developed to predict the effect of missense changes on protein structure and function output the following: SIFT: "Tolerated"; PolyPhen-2: "Benign"; Align-GVGD: "Class C0". The valine amino acid residue is found in multiple mammalian species, which suggests that this missense change does not adversely affect protein function. This variant has not been reported in the literature in individuals affected with ATP6V0A2-related conditions. This variant is not present in population databases (gnomAD no frequency). This sequence change replaces isoleucine, which is neutral and non-polar, with valine, which is neutral and non-polar, at codon 227 of the ATP6V0A2 protein (p.Ile227Val).

NM_012463.4(ATP6V0A2):c.679A>G (p.Ile227Val)

Gene: ATP6V0A2 (ATPase H+ transporting V0 subunit a2; plus strand). Cytogenetic location: 12q24.31.
Variant type: single nucleotide variant.
Coding change: c.679A>G on transcript NM_012463.4 (MANE Select); coding-DNA position 679, A replaced by G.
Protein change: p.Ile227Val; replaces isoleucine 227 with valine.
Molecular consequence: missense variant.
Genome position (GRCh38, 1-based): chr12:123,733,956, A>G. VCF-style: chr12-123733956-A-G. GRCh37 (hg19) VCF-style: chr12-124218503-A-G.
Other names: short protein forms I227V.
Identifiers: ClinVar variation 2132058 (VCV002132058.4), dbSNP rs2541854774, ClinGen allele CA387152943.